The following is an entry in ClinVar:

NM_138576.4(BCL11B):c.1904_1939del (p.Asp635_Gly646del)

Gene: BCL11B (BCL11 transcription factor B; minus strand). Cytogenetic location: 14q32.2.
Variant type: Deletion.
Coding change: c.1904_1939del on transcript NM_138576.4 (MANE Select); coding-DNA positions 1904 to 1939, 36 bases deleted.
Protein change: p.Asp635_Gly646del.
Molecular consequence: inframe deletion.
Genome position (GRCh38, 1-based): chr14:99,174,897-99,174,932, 36 bases deleted; deleting any 36 consecutive bases within chr14:99,174,897-99,174,947 gives the same sequence; the c. name uses the placement nearest the transcript's 3' end. GRCh37 (hg19): chr14:99,641,249-99,641,284.
Other names: c.1901_1936del, p.Asp634_Gly645del (NM_001282237.2); c.1688_1723del, p.Asp563_Gly574del (NM_001282238.2); c.1691_1726del, p.Asp564_Gly575del (NM_022898.3); c.1904_1939del (NM_138576.3).
Identifiers: ClinVar variation 2895923 (VCV002895923.4), dbSNP rs1886430140, ClinGen allele CA966480254.

ClinVar aggregate classification (germline): Conflicting classifications of pathogenicity. Review status: criteria provided, conflicting classifications (1 of 4 stars). 2 submissions from 2 submitters: Likely pathogenic (1); Uncertain significance (1). Last evaluated 2024-11-25.

Submissions (2):

Labcorp Genetics (formerly Invitae), Labcorp
Classification: Uncertain significance. Last evaluated: 2024-11-25. Review status: criteria provided, single submitter. Criteria: Invitae Variant Classification Sherloc (09022015). Collection method: clinical testing. Allele origin: germline.
Comment: This variant, c.1904_1939del, results in the deletion of 12 amino acid(s) of the BCL11B protein (p.Asp635_Gly646del), but otherwise preserves the integrity of the reading frame. The frequency data for this variant in the population databases is considered unreliable, as metrics indicate insufficient coverage at this position in the gnomAD database. This variant has not been reported in the literature in individuals affected with BCL11B-related conditions. ClinVar contains an entry for this variant (Variation ID: 2895923). Experimental studies and prediction algorithms are not available or were not evaluated, and the functional significance of this variant is currently unknown. In summary, the available evidence is currently insufficient to determine the role of this variant in disease. Therefore, it has been classified as a Variant of Uncertain Significance.

GeneDx
Classification: Likely pathogenic. Last evaluated: 2024-06-20. Review status: criteria provided, single submitter. Criteria: GeneDx Variant Classification Process June 2021. Collection method: clinical testing. Allele origin: germline. Affected: yes.
Comment: Not observed at significant frequency in large population cohorts (gnomAD); In-frame deletion of 12 amino acids in a non-repeat region; In silico analysis supports a deleterious effect on protein structure/function; Has not been previously published as pathogenic or benign to our knowledge